The following is an entry in ClinVar:

ClinVar aggregate classification (germline): Uncertain significance (1 of 4 stars; one submission).

Submission:

CeGaT Center for Human Genetics Tuebingen
Classification: Uncertain significance. Last evaluated: 2026-02-01. Review status: criteria provided, single submitter. Criteria: CeGaT Center For Human Genetics Tuebingen Variant Classification Criteria Version 2. Collection method: clinical testing. Allele origin: germline. Affected: yes. Observed: 1 variant allele.
Comment: STK11: PM2

NM_000455.5(STK11):c.*487_*494del

Gene: STK11 (serine/threonine kinase 11; plus strand). Cytogenetic location: 19p13.3.
Variant type: Deletion.
Coding change: c.*487_*494del on transcript NM_000455.5 (MANE Select); 487 bases downstream of the stop codon through 494 bases downstream of the stop codon, 8 bases deleted (TTTTTTTT; older notation c.*487_*494delTTTTTTTT).
Molecular consequence: 3 prime UTR variant. On other transcripts: non-coding transcript variant (1).
Genome position (GRCh38, 1-based): chr19:1,228,063-1,228,070, TTTTTTTT deleted; deleting any 8 consecutive bases within chr19:1,228,060-1,228,070 gives the same sequence; the c. name uses the placement nearest the transcript's 3' end. VCF-style (leftmost placement, unchanged base first): chr19-1228059-CTTTTTTTT-C. GRCh37 (hg19) VCF-style: chr19-1228058-CTTTTTTTT-C.
Identifiers: ClinVar variation 4822123 (VCV004822123.4).